The following is an entry in ClinVar:

ClinVar aggregate classification (germline): Uncertain significance (1 of 4 stars; one submission).

gnomAD v4.1: 2 of 1,613,230 alleles (0.00012%); highest among the groups gnomAD compares: South Asian, 0.0022%; no homozygotes.

Submission:

GeneDx
Classification: Uncertain significance. Last evaluated: 2026-04-25. Review status: criteria provided, single submitter. Criteria: GeneDx Variant Classification Process June 2021. Collection method: clinical testing. Allele origin: germline.
Comment: Not observed at significant frequency in large population cohorts (gnomAD); In silico analysis suggests that this missense variant does not alter protein structure/function; Has not been previously published as pathogenic or benign to our knowledge

NM_001161352.2(KCNMA1):c.889T>G (p.Ser297Ala)

Gene: KCNMA1 (potassium calcium-activated channel subfamily M alpha 1; minus strand). Cytogenetic location: 10q22.3.
Variant type: single nucleotide variant.
Coding change: c.889T>G on transcript NM_001161352.2 (MANE Select); coding-DNA position 889, T replaced by G.
Protein change: p.Ser297Ala; replaces serine 297 with alanine.
Molecular consequence: missense variant.
Genome position (GRCh38, 1-based): chr10:77,112,438, A>C on the plus strand (T>G on the coding strand, the complement: KCNMA1 is on the minus strand). VCF-style: chr10-77112438-A-C. GRCh37 (hg19) VCF-style: chr10-78872196-A-C.
Other names: c.727T>G, p.Ser243Ala (NM_001271518.2); c.889T>G, p.Ser297Ala (NM_001271519.2, NM_001322829.2, NM_001322830.2 and 9 more transcripts); c.349T>G, p.Ser117Ala (NM_001322838.2); c.1021T>G, p.Ser341Ala (NM_001437422.1); short protein forms S117A, S243A, S297A, S341A.
Identifiers: ClinVar variation 5037658 (VCV005037658.1).